The following is an entry in ClinVar:

NM_144736.5(NDUFAF7):c.1247G>T (p.Gly416Val)

Gene: NDUFAF7 (NADH:ubiquinone oxidoreductase complex assembly factor 7; plus strand). Cytogenetic location: 2p22.2.
Variant type: single nucleotide variant.
Coding change: c.1247G>T on transcript NM_144736.5 (MANE Select); coding-DNA position 1247, G replaced by T.
Protein change: p.Gly416Val; replaces glycine 416 with valine.
Molecular consequence: missense variant. On other transcripts: non-coding transcript variant (10).
Genome position (GRCh38, 1-based): chr2:37,248,271, G>T. VCF-style: chr2-37248271-G-T. GRCh37 (hg19) VCF-style: chr2-37475414-G-T.
Other names: c.953G>T, p.Gly318Val (NM_001083946.2); c.1124G>T, p.Gly375Val (NM_001350024.2); c.1043G>T, p.Gly348Val (NM_001350025.2); c.1034G>T, p.Gly345Val (NM_001350027.2); short protein forms G318V, G348V, G345V, G375V, G416V.
Identifiers: ClinVar variation 2020716 (VCV002020716.4), dbSNP rs2465330378, ClinGen allele CA346315223.

ClinVar aggregate classification (germline): Uncertain significance (1 of 4 stars; one submission).

Allele frequency attached by ClinVar (database versions not stated): gnomAD exomes below 0.00001.

Submission:

Labcorp Genetics (formerly Invitae), Labcorp
Classification: Uncertain significance. Last evaluated: 2022-07-30. Review status: criteria provided, single submitter. Criteria: Invitae Variant Classification Sherloc (09022015). Collection method: clinical testing. Allele origin: germline.
Comment: In summary, the available evidence is currently insufficient to determine the role of this variant in disease. Therefore, it has been classified as a Variant of Uncertain Significance. Algorithms developed to predict the effect of missense changes on protein structure and function (SIFT, PolyPhen-2, Align-GVGD) all suggest that this variant is likely to be tolerated. This variant has not been reported in the literature in individuals affected with NDUFAF7-related conditions. This variant is not present in population databases (gnomAD no frequency). This sequence change replaces glycine, which is neutral and non-polar, with valine, which is neutral and non-polar, at codon 318 of the NDUFAF7 protein (p.Gly318Val).